The following is an entry in ClinVar:

NM_001276270.2(MBD4):c.184A>C (p.Asn62His)

Gene: MBD4 (methyl-CpG binding domain 4, DNA glycosylase; minus strand). Cytogenetic location: 3q21.3.
Variant type: single nucleotide variant.
Coding change: c.184A>C on transcript NM_001276270.2 (MANE Select); coding-DNA position 184, A replaced by C.
Protein change: p.Asn62His; replaces asparagine 62 with histidine.
Molecular consequence: missense variant.
Genome position (GRCh38, 1-based): chr3:129,437,871, T>G on the plus strand (A>C on the coding strand, the complement: MBD4 is on the minus strand). VCF-style: chr3-129437871-T-G. GRCh37 (hg19) VCF-style: chr3-129156714-T-G.
Other names: c.184A>C, p.Asn62His (NM_001276271.2, NM_001276272.2, NM_001276273.2 and 1 more transcripts); short protein forms N62H.
Identifiers: ClinVar variation 3638306 (VCV003638306.2).

ClinVar aggregate classification (germline): Uncertain significance (1 of 4 stars; one submission).

Submission:

Labcorp Genetics (formerly Invitae), Labcorp
Classification: Uncertain significance. Last evaluated: 2024-02-02. Review status: criteria provided, single submitter. Criteria: Invitae Variant Classification Sherloc (09022015). Collection method: clinical testing. Allele origin: germline.
Comment: This sequence change replaces asparagine, which is neutral and polar, with histidine, which is basic and polar, at codon 62 of the MBD4 protein (p.Asn62His). This variant is not present in population databases (gnomAD no frequency). This variant has not been reported in the literature in individuals affected with MBD4-related conditions. An algorithm developed to predict the effect of missense changes on protein structure and function (PolyPhen-2) suggests that this variant is likely to be disruptive. In summary, the available evidence is currently insufficient to determine the role of this variant in disease. Therefore, it has been classified as a Variant of Uncertain Significance.